The following is an entry in ClinVar:

ClinVar aggregate classification (germline): Pathogenic. Review status: reviewed by expert panel (3 of 4 stars). 5 submissions from 5 submitters: Pathogenic (1). 4 of the submissions do not count toward it. Last evaluated 2016-10-18.

Conditions:
Hereditary breast ovarian cancer syndrome. Also called: Breast and ovarian cancer; Hereditary breast and ovarian cancer; Hereditary breast and ovarian cancer syndrome; Hereditary breast and/or ovarian cancer syndrome; BRCA1- and BRCA2-Associated Hereditary Breast and Ovarian Cancer; Hereditary breast and ovarian cancer syndrome (HBOC). Identifiers: Orphanet 145, MedGen C0677776, MeSH D061325, MONDO:0003582. Disease mechanism: loss of function.
Breast-ovarian cancer, familial, susceptibility to, 1 (BROVCA1). Also called: BRCA1 Hereditary Breast and Ovarian Cancer; OVARIAN CANCER, SUSCEPTIBILITY TO. Identifiers: Orphanet 145, MedGen C2676676, MONDO:0011450, OMIM 604370. Disease mechanism: loss of function.
Hereditary cancer-predisposing syndrome. Also called: Tumor predisposition; Hereditary Cancer Syndrome; Neoplastic Syndromes, Hereditary; Hereditary neoplastic syndrome. Identifiers: Orphanet 140162, MedGen C0027672, MeSH D009386, MONDO:0015356.

Submissions (5):

Evidence-based Network for the Interpretation of Germline Mutant Alleles (ENIGMA)
Classification: Pathogenic for Breast-ovarian cancer, familial, susceptibility to, 1. Last evaluated: 2016-10-18. Review status: reviewed by expert panel. Criteria: ENIGMA BRCA1/2 Classification Criteria (2015). Collection method: curation. Allele origin: germline.
Comment: Variant allele predicted to encode a truncated non-functional protein.

Labcorp Genetics (formerly Invitae), Labcorp
Classification: Pathogenic for Hereditary breast ovarian cancer syndrome. Last evaluated: 2024-01-11. Review status: criteria provided, single submitter. Criteria: Invitae Variant Classification Sherloc (09022015). Collection method: clinical testing. Allele origin: germline. Not counted in ClinVar's aggregate classification.
Comment: This sequence change creates a premature translational stop signal (p.Ser1097Lysfs*6) in the BRCA1 gene. It is expected to result in an absent or disrupted protein product. Loss-of-function variants in BRCA1 are known to be pathogenic (PMID: 20104584). This variant is not present in population databases (gnomAD no frequency). This variant has not been reported in the literature in individuals affected with BRCA1-related conditions. ClinVar contains an entry for this variant (Variation ID: 233101). For these reasons, this variant has been classified as Pathogenic.

Women's Health and Genetics/Laboratory Corporation of America, LabCorp
Classification: Likely pathogenic for Hereditary breast ovarian cancer syndrome. Last evaluated: 2016-10-05. Review status: criteria provided, single submitter. Criteria: LabCorp Variant Classification Summary - May 2015. Collection method: clinical testing. Allele origin: germline. Not counted in ClinVar's aggregate classification.
Comment: Variant summary: The BRCA1 c.3289dupA (p.Ser1097Lysfs) variant results in a premature termination codon, predicted to cause a truncated or absent BRCA1 protein due to nonsense mediated decay, which are commonly known mechanisms for disease. Truncations downstream of this position have been classified as pathogenic by our laboratory (e.g. c.3296del, p.Pro1099fs). One in silico tool predicts a damaging outcome for this variant. This variant was absent in 121276 control chromosomes. In addition, clinical diagnostic laboratories/reputable databases classified this variant as pathogenic/likely pathogenic. The variant of interest has not, to our knowledge, been reported in affected individuals via publications nor evaluated for functional impact by in vivo/vitro studies. Taken together, this variant is classified as likely pathogenic until additional information is available.

Consortium of Investigators of Modifiers of BRCA1/2 (CIMBA), c/o University of Cambridge
Classification: Pathogenic for Breast-ovarian cancer, familial, susceptibility to, 1. Last evaluated: 2015-10-02. Review status: criteria provided, single submitter. Criteria: CIMBA Mutation Classification guidelines May 2016. Collection method: clinical testing. Allele origin: germline. Not counted in ClinVar's aggregate classification.

Ambry Genetics
Classification: Pathogenic for Hereditary cancer-predisposing syndrome. Last evaluated: 2014-11-28. Review status: criteria provided, single submitter. Criteria: Ambry Autosomal Dominant and X-Linked criteria (10/2015). Collection method: clinical testing. Allele origin: germline. Observed: 1 variant allele. Not counted in ClinVar's aggregate classification.
Comment: The c.3289dupA(also known as 3408insA)pathogenic mutation, located in coding exon 9 of the BRCA1 gene, results from a duplication of A at nucleotide position 3289, causing a translational frameshift with a predicted alternate stop codon. Since frameshifts are typically deleterious in nature, this alteration is interpreted as a disease-causing mutation (ACMG Recommendations for Standards for Interpretation and Reporting of Sequence Variations. Revision 2007. Genet Med. 2008;10:294).

Literature cited by the submitters: PubMed 20104584 (cited by Labcorp Genetics (formerly Invitae), Labcorp).

NM_007294.4(BRCA1):c.3289dup (p.Ser1097fs)

Genes: BRCA1 (BRCA1 DNA repair associated; minus strand), LOC126862571 (BRD4-independent group 4 enhancer GRCh37_chr17:41243136-41244335; plus strand). Cytogenetic location: 17q21.31.
Variant type: Duplication.
Coding change: c.3289dup on transcript NM_007294.4 (MANE Select); coding-DNA position 3289, one base duplicated (A; older notation c.3289dupA).
Protein change: p.Ser1097fs; shifts the reading frame from serine 1097.
Molecular consequence: frameshift variant. On other transcripts: intron variant (137).
Genome position (GRCh38, 1-based): chr17:43,092,242, T duplicated on the plus strand (A on the coding strand, the reverse complement: BRCA1 is on the minus strand); the first of 3 consecutive T bases (chr17:43,092,242-43,092,244); duplicating any one gives the same sequence. VCF-style (leftmost placement, unchanged base first): chr17-43092241-C-CT. GRCh37 (hg19) VCF-style: chr17-41244258-C-CT.
Other names: 3408_3409dupA; c.3289dupA (NM_007294.3); c.671-1210dup (NM_001408418.1, NM_001408423.1, NM_001408420.1 and 2 more transcripts); c.788-1210dup (NM_001407981.1, NM_007298.4, NM_001407978.1 and 17 more transcripts); c.644-1210dup (NM_001408462.1, NM_001408470.1, NM_001408464.1 and 3 more transcripts); c.710-1210dup (NM_001408414.1, NM_001408411.1, NM_001408415.1 and 2 more transcripts); c.578-1210dup (NM_001408514.1, NM_001408485.1, NM_001408483.1 and 9 more transcripts); c.662-1210dup (NM_001408447.1, NM_001408433.1, NM_001408446.1 and 6 more transcripts); and 43 more; short protein forms S1050fs, S1097fs, S1049fs, S1070fs, S1071fs, S1096fs, S969fs, S1009fs.
Identifiers: ClinVar variation 233101 (VCV000233101.13), dbSNP rs80357686, ClinGen allele CA10580569.